The following is an entry in ClinVar:

NM_001482.3(GATM):c.76C>T (p.Arg26Ter)

Gene: GATM (glycine amidinotransferase; minus strand). Cytogenetic location: 15q21.1.
Variant type: single nucleotide variant.
Coding change: c.76C>T on transcript NM_001482.3 (MANE Select); coding-DNA position 76, C replaced by T.
Protein change: p.Arg26Ter; replaces arginine 26 with a stop codon.
Molecular consequence: nonsense. On other transcripts: 5 prime UTR variant (1).
Genome position (GRCh38, 1-based): chr15:45,376,813, G>A on the plus strand (C>T on the coding strand, the complement: GATM is on the minus strand). VCF-style: chr15-45376813-G-A. GRCh37 (hg19) VCF-style: chr15-45669011-G-A.
Other names: c.-312C>T (NM_001321015.2); short protein forms R26*.
Identifiers: ClinVar variation 2836363 (VCV002836363.3), dbSNP rs1032267288, ClinGen allele CA392266037.

ClinVar aggregate classification (germline): Pathogenic (1 of 4 stars; one submission).

Conditions:
Arginine:glycine amidinotransferase deficiency (CCDS3). Also called: L-Arginine:Glycine Amidinotransferase (AGAT) Deficiency; AGAT deficiency; L-Arginine:Glycine Amidinotransferase Deficiency; Creatine deficiency syndrome due to AGAT deficiency; GATM deficiency; Cerebral creatine deficiency syndrome 3. Identifiers: Orphanet 35704, MedGen C2675179, MONDO:0012996, OMIM 612718.

Submission:

Labcorp Genetics (formerly Invitae), Labcorp
Classification: Pathogenic for Arginine:glycine amidinotransferase deficiency. Last evaluated: 2023-06-29. Review status: criteria provided, single submitter. Criteria: Invitae Variant Classification Sherloc (09022015). Collection method: clinical testing. Allele origin: germline.
Comment: This variant has not been reported in the literature in individuals affected with GATM-related conditions. For these reasons, this variant has been classified as Pathogenic. This variant is not present in population databases (gnomAD no frequency). This sequence change creates a premature translational stop signal (p.Arg26*) in the GATM gene. It is expected to result in an absent or disrupted protein product. Loss-of-function variants in GATM are known to be pathogenic (PMID: 11555793).

Literature cited by the submitters: PubMed 11555793.